The following continues an entry in ClinVar:

NM_001080522.2(CC2D2A):c.3289delG

ClinVar aggregate classification (germline): Pathogenic. Pathogenic (19).

Submissions 13 to 26 of 26:

Centre of Medical Genetics, University Hospital Muenster
Classification: Pathogenic. Last evaluated: 2021-12-16. Review status: criteria provided, single submitter. Criteria: ACMG Guidelines, 2015. Collection method: clinical testing. Allele origin: germline. Affected: yes. Observed: 1 variant allele, 1 homozygote.
Comment: ACMG categories: PVS1,PM2,PM3,PP5

CeGaT Center for Human Genetics Tuebingen
Classification: Pathogenic. Last evaluated: 2021-08-01. Review status: criteria provided, single submitter. Criteria: CeGaT Center For Human Genetics Tuebingen Variant Classification Criteria Version 2. Collection method: clinical testing. Allele origin: germline. Affected: yes. Observed: 3 variant alleles.

Institute of Human Genetics, University of Leipzig Medical Center
Classification: Pathogenic for Joubert syndrome 9. Last evaluated: 2020-10-27. Review status: criteria provided, single submitter. Criteria: ACMG Guidelines, 2015. Collection method: clinical testing. Allele origin: maternal. Affected: yes.
Comment: This variant was identified as compound heterozygous with NM_001080522.2:c.4786G>A.

Eurofins Ntd Llc (ga)
Classification: Pathogenic. Last evaluated: 2016-12-29. Review status: criteria provided, single submitter. Criteria: EGL Classification Definitions 2015. Collection method: clinical testing. Allele origin: germline. Observed: 1 variant allele, 1 heterozygote.

Genetic Services Laboratory, University of Chicago
Classification: Pathogenic for Joubert syndrome 9. Last evaluated: 2016-05-17. Review status: criteria provided, single submitter. Criteria: ACMG Guidelines, 2015. Collection method: clinical testing. Allele origin: germline. Affected: yes.

UW Hindbrain Malformation Research Program, University of Washington
Classification: Pathogenic for Joubert syndrome 9. Last evaluated: 2015-02-23. Review status: criteria provided, single submitter. Criteria: Bachmann-Gagescu et al. (J Med Genet. 2015). Collection method: research. Allele origin: unknown. Affected: yes.

Consultorio y Laboratorio de Neurogenética, Hospital JM Ramos Mejia
Classification: Pathogenic for Joubert syndrome 9. Review status: criteria provided, single submitter. Criteria: Perez et al. (J Hum Genet. 2020). Collection method: clinical testing. Allele origin: unknown. Inheritance: Autosomal recessive inheritance. Affected: yes. Observed: 1 compound heterozygote.

PreventionGenetics, part of Exact Sciences
Classification: Pathogenic for CC2D2A-related condition. Last evaluated: 2024-09-12. Review status: no assertion criteria provided. Collection method: clinical testing. Allele origin: germline. Not counted in ClinVar's aggregate classification.
Comment: The CC2D2A c.3289delG variant is predicted to result in a frameshift and premature protein termination (p.Val1097Phefs*2). This variant has been reported in the compound heterozygous state in multiple individuals with Joubert syndrome and related disorders (see example: reported as p.V1097FfsX1 in Table 1, Gorden et al. 2008. PubMed ID: 18950740; Table S5, Bachmann-Gagescu et al. 2015. PubMed ID: 26092869). This variant is reported in 0.041% of alleles in individuals of European (Non-Finnish) descent in gnomAD. Frameshift variants in CC2D2A are expected to be pathogenic. This variant is interpreted as pathogenic.

OMIM
Classification: Pathogenic for COACH SYNDROME 2. Last evaluated: 2010-01-01. Review status: no assertion criteria provided. Collection method: literature only. Allele origin: germline. Not counted in ClinVar's aggregate classification.

Clinical Genetics DNA and cytogenetics Diagnostics Lab, Erasmus MC, Erasmus Medical Center
Classification: Pathogenic. Review status: no assertion criteria provided. Collection method: clinical testing. Allele origin: germline. Affected: yes. Study: VKGL Data-share Consensus. Not counted in ClinVar's aggregate classification.

Diagnostic Laboratory, Department of Genetics, University Medical Center Groningen
Classification: Pathogenic. Review status: no assertion criteria provided. Collection method: clinical testing. Allele origin: germline. Affected: yes. Study: VKGL Data-share Consensus. Not counted in ClinVar's aggregate classification.

Genome Diagnostics Laboratory, Amsterdam University Medical Center
Classification: Pathogenic. Review status: no assertion criteria provided. Collection method: clinical testing. Allele origin: germline. Affected: yes. Study: VKGL Data-share Consensus. Not counted in ClinVar's aggregate classification.

Genome Diagnostics Laboratory, University Medical Center Utrecht
Classification: Pathogenic. Review status: no assertion criteria provided. Collection method: clinical testing. Allele origin: germline. Affected: yes. Study: VKGL Data-share Consensus. Not counted in ClinVar's aggregate classification.

Juha Muilu Group; Institute for Molecular Medicine Finland (FIMM)
Classification: Likely pathogenic for Meckel syndrome, type 6. Review status: no assertion criteria provided. Collection method: not provided. Allele origin: unknown. Not counted in ClinVar's aggregate classification.
Comment: FinDis database variant: This variant was not found or characterized by our laboratory, data were collected from public sources: see reference
ClinVar note: Converted during submission from probable-pathogenic to Likely pathogenic.

Literature cited by the submitters: PubMed 19777577 (cited by Labcorp Genetics (formerly Invitae), Labcorp and Variantyx, Inc.); PubMed 18950740 (cited by 5 submitters); PubMed 19466712 (cited by 3 submitters); PubMed 22241855 (cited by 4 submitters); PubMed 19574260 (cited by 3 submitters); PubMed 26092869 (cited by Johns Hopkins Genomics, Johns Hopkins University and Ambry Genetics); PubMed 28125082 (cited by 3 submitters).